The following is an entry in ClinVar:

ClinVar aggregate classification (germline): Uncertain significance (1 of 4 stars; one submission).

Allele frequency attached by ClinVar (database versions not stated): gnomAD exomes below 0.00001; ExAC 0.00001.
gnomAD v4.1: 1 of 1,614,014 alleles (0.000062%); highest among the groups gnomAD compares: Non-Finnish European, 0.000085%; no homozygotes.

Submission:

Labcorp Genetics (formerly Invitae), Labcorp
Classification: Uncertain significance. Last evaluated: 2021-01-18. Review status: criteria provided, single submitter. Criteria: Invitae Variant Classification Sherloc (09022015). Collection method: clinical testing. Allele origin: germline.
Comment: In summary, the available evidence is currently insufficient to determine the role of this variant in disease. Therefore, it has been classified as a Variant of Uncertain Significance. Advanced modeling of protein sequence and biophysical properties (such as structural, functional, and spatial information, amino acid conservation, physicochemical variation, residue mobility, and thermodynamic stability) performed at Invitae indicates that this missense variant is not expected to disrupt MTOR protein function. This variant has not been reported in the literature in individuals with MTOR-related conditions. This variant is present in population databases (rs748220176, ExAC 0.002%). This sequence change replaces threonine with alanine at codon 1502 of the MTOR protein (p.Thr1502Ala). The threonine residue is moderately conserved and there is a small physicochemical difference between threonine and alanine.

NM_004958.4(MTOR):c.4504A>G (p.Thr1502Ala)

Gene: MTOR (mechanistic target of rapamycin kinase; minus strand). Cytogenetic location: 1p36.22.
Variant type: single nucleotide variant.
Coding change: c.4504A>G on transcript NM_004958.4 (MANE Select); coding-DNA position 4504, A replaced by G.
Protein change: p.Thr1502Ala; replaces threonine 1502 with alanine.
Molecular consequence: missense variant.
Genome position (GRCh38, 1-based): chr1:11,150,192, T>C on the plus strand (A>G on the coding strand, the complement: MTOR is on the minus strand). VCF-style: chr1-11150192-T-C. GRCh37 (hg19) VCF-style: chr1-11210249-T-C.
Other names: c.4504A>G, p.Thr1502Ala (NM_001386500.1); c.3256A>G, p.Thr1086Ala (NM_001386501.1); short protein forms T1086A, T1502A.
Identifiers: ClinVar variation 1517352 (VCV001517352.8), dbSNP rs748220176, ClinGen allele CA589622.